The following is an entry in ClinVar:

ClinVar aggregate classification (germline): Conflicting classifications of pathogenicity. Review status: criteria provided, conflicting classifications (1 of 4 stars). 2 submissions from 2 submitters: Likely pathogenic (1); Uncertain significance (1). Last evaluated 2025-04-20.

Conditions:
ELANE-related disorders.
Neutropenia, severe congenital, 1, autosomal dominant. Identifiers: MedGen C1859966, MONDO:0042490, OMIM 202700.
Cyclical neutropenia. Also called: Cyclic Neutropenia; Cyclic hematopoiesis. Identifiers: Orphanet 2686, MedGen C0221023, MONDO:0008090, OMIM 162800, HP:0040289. Disease mechanism: loss of function.

gnomAD v4.1: 4 of 1,609,914 alleles (0.00025%); highest among the groups gnomAD compares: African/African-American, 0.0027%; no homozygotes.

Submissions (2):

Labcorp Genetics (formerly Invitae), Labcorp
Classification: Uncertain significance for Neutropenia, severe congenital, 1, autosomal dominant; Cyclical neutropenia. Last evaluated: 2025-04-20. Review status: criteria provided, single submitter. Criteria: Invitae Variant Classification Sherloc (09022015). Collection method: clinical testing. Allele origin: germline.
Comment: This sequence change creates a premature translational stop signal (p.Gln170*) in the ELANE gene. It is expected to result in an absent or disrupted protein product. However, the current clinical and genetic evidence is not sufficient to establish whether loss-of-function variants in ELANE cause disease. This variant is present in population databases (no rsID available, gnomAD 0.004%). This premature translational stop signal has been observed in individual(s) with clinical features of ELANE-related neutropenia (PMID: 30630937). ClinVar contains an entry for this variant (Variation ID: 3758130). In summary, the available evidence is currently insufficient to determine the role of this variant in disease. Therefore, it has been classified as a Variant of Uncertain Significance.

Blueprint Genetics
Classification: Likely pathogenic for ELANE-related disorders. Last evaluated: 2022-06-17. Review status: criteria provided, single submitter. Criteria: ACMG Guidelines, 2015. Collection method: clinical testing. Allele origin: germline. Affected: yes. Observed: 1 variant allele.

Literature cited by the submitters: PubMed 30630937 (cited by Labcorp Genetics (formerly Invitae), Labcorp).

NM_001972.4(ELANE):c.508C>T (p.Gln170Ter)

Gene: ELANE (elastase, neutrophil expressed; plus strand). Cytogenetic location: 19p13.3.
Variant type: single nucleotide variant.
Coding change: c.508C>T on transcript NM_001972.4 (MANE Select); coding-DNA position 508, C replaced by T.
Protein change: p.Gln170Ter; replaces glutamine 170 with a stop codon.
Molecular consequence: nonsense.
Genome position (GRCh38, 1-based): chr19:855,705, C>T. VCF-style: chr19-855705-C-T. GRCh37 (hg19) VCF-style: chr19-855705-C-T.
Other names: short protein forms Q170*.
Identifiers: ClinVar variation 3758130 (VCV003758130.3).
Genomic context (GRCh38, chr19:855,705, plus strand): 5'-CAGTGCCTGGCCATGGGCTGGGGCCTTCTGGGCAGGAACCGTGGGATCGCCAGCGTCCTG[C>T]AGGAGCTCAACGTGACGGTGGTGACGTCCCTCTGCCGTCGCAGCAACGTCTGCACTCTCG-3'